The following is an entry in ClinVar:

ClinVar aggregate classification (germline): Uncertain significance. Review status: criteria provided, multiple submitters, no conflicts (2 of 4 stars). 2 submissions from 2 submitters: Uncertain significance (2). Last evaluated 2025-11-05.

Conditions:
Primary ciliary dyskinesia. Also called: Ciliary dyskinesia. Identifiers: Orphanet 244, MedGen C0008780, MONDO:0016575, HP:0012265.

Allele frequency attached by ClinVar (database versions not stated): gnomAD exomes below 0.00001; gnomAD 0.00001; TOPMed 0.00001.
gnomAD v4.1: 3 of 1,614,052 alleles (0.00019%); highest among the groups gnomAD compares: African/African-American, 0.0027%; no homozygotes.

Submissions (2):

Ambry Genetics
Classification: Uncertain significance for Primary ciliary dyskinesia. Last evaluated: 2025-11-05. Review status: criteria provided, single submitter. Criteria: Ambry Variant Classification Scheme 2023. Collection method: clinical testing. Allele origin: germline.

Labcorp Genetics (formerly Invitae), Labcorp
Classification: Uncertain significance for Primary ciliary dyskinesia. Last evaluated: 2022-08-19. Review status: criteria provided, single submitter. Criteria: Invitae Variant Classification Sherloc (09022015). Collection method: clinical testing. Allele origin: germline.
Comment: This sequence change replaces aspartic acid, which is acidic and polar, with tyrosine, which is neutral and polar, at codon 28 of the DNAI1 protein (p.Asp28Tyr). This variant is present in population databases (no rsID available, gnomAD 0.01%). This variant has not been reported in the literature in individuals affected with DNAI1-related conditions. Algorithms developed to predict the effect of missense changes on protein structure and function are either unavailable or do not agree on the potential impact of this missense change (SIFT: "Deleterious"; PolyPhen-2: "Possibly Damaging"; Align-GVGD: "Class C0"). Algorithms developed to predict the effect of sequence changes on RNA splicing suggest that this variant may create or strengthen a splice site. In summary, the available evidence is currently insufficient to determine the role of this variant in disease. Therefore, it has been classified as a Variant of Uncertain Significance.

NM_012144.4(DNAI1):c.82G>T (p.Asp28Tyr)

Gene: DNAI1 (dynein axonemal intermediate chain 1; plus strand). Cytogenetic location: 9p13.3.
Variant type: single nucleotide variant.
Coding change: c.82G>T on transcript NM_012144.4 (MANE Select); coding-DNA position 82, G replaced by T.
Protein change: p.Asp28Tyr; replaces aspartic acid 28 with tyrosine.
Molecular consequence: missense variant.
Genome position (GRCh38, 1-based): chr9:34,485,142, G>T. VCF-style: chr9-34485142-G-T. GRCh37 (hg19) VCF-style: chr9-34485140-G-T.
Other names: c.82G>T (NM_012144.2); c.82G>T, p.Asp28Tyr (NM_001281428.2); short protein forms D28Y.
Identifiers: ClinVar variation 1962097 (VCV001962097.2), dbSNP rs1484370915, ClinGen allele CA373241746.